The following is an entry in ClinVar:

ClinVar aggregate classification (germline): Likely benign. Review status: criteria provided, single submitter (1 of 4 stars). 2 submissions from 2 submitters: Likely benign (1). 1 of the submissions does not count toward it. Last evaluated 2026-03-01.

Conditions:
AKT2-related disorder. Also called: AKT2-related condition.

gnomAD v4.1: 22 of 1,613,766 alleles (0.0014%); highest among the groups gnomAD compares: Non-Finnish European, 0.00093%; 1 homozygote.

Submissions (2):

CeGaT Center for Human Genetics Tuebingen
Classification: Likely benign. Last evaluated: 2026-03-01. Review status: criteria provided, single submitter. Criteria: CeGaT Center For Human Genetics Tuebingen Variant Classification Criteria Version 2. Collection method: clinical testing. Allele origin: germline. Affected: yes. Observed: 1 variant allele.
Comment: AKT2: BP4, BP7

PreventionGenetics, part of Exact Sciences
Classification: Likely benign for AKT2-related condition. Last evaluated: 2023-09-22. Review status: no assertion criteria provided. Collection method: clinical testing. Allele origin: germline. Not counted in ClinVar's aggregate classification.
Comment: This variant is classified as likely benign based on ACMG/AMP sequence variant interpretation guidelines (Richards et al. 2015 PMID: 25741868, with internal and published modifications).

NM_001626.6(AKT2):c.417G>A (p.Ala139=)

Gene: AKT2 (AKT serine/threonine kinase 2; minus strand). Cytogenetic location: 19q13.2.
Variant type: single nucleotide variant.
Coding change: c.417G>A on transcript NM_001626.6 (MANE Select); coding-DNA position 417, G replaced by A.
Protein change: p.Ala139=; no amino-acid change (alanine 139 retained).
Molecular consequence: synonymous variant.
Genome position (GRCh38, 1-based): chr19:40,242,558, C>T on the plus strand (G>A on the coding strand, the complement: AKT2 is on the minus strand). VCF-style: chr19-40242558-C-T. GRCh37 (hg19) VCF-style: chr19-40748465-C-T.
Other names: c.231G>A, p.Ala77= (NM_001243027.3, NM_001243028.3); c.417G>A, p.Ala139= (NM_001330511.1).
Identifiers: ClinVar variation 3057619 (VCV003057619.6), dbSNP rs142991191, ClinGen allele CA9441890.
Genomic context (GRCh38, chr19:40,242,558, plus strand): 5'-CAGGCTGGCAGCCCCACCCCTGCTCCCAGCACTTACCACTTTAGCCCGTGCCTTGCTGAC[C>T]GCCACTTCCATCTCCTCAGTCGTGGAGGAGTCACTGGGGGAGCCACACTTGTAGTCCATG-3'
Protein context (NP_001617.1, residues 129-149): DSSTTEEMEV[Ala139=]VSKARAKVTM